The following is an entry in ClinVar:

ClinVar aggregate classification (germline): Conflicting classifications of pathogenicity. Review status: criteria provided, conflicting classifications (1 of 4 stars). 2 submissions from 2 submitters: Likely pathogenic (1); Uncertain significance (1). Last evaluated 2026-01-19.

Conditions:
Hypertrophic cardiomyopathy. Also called: HYPERTROPHIC MYOCARDIOPATHY. Identifiers: Orphanet 217569, MedGen C0007194, MeSH D002312, MONDO:0005045, HP:0001639.
Abnormality of the liver. Identifiers: MedGen C4021780, MONDO:0005154, HP:0001392.
Hypoglycemia. Identifiers: MedGen C0020615, MONDO:0004946, HP:0001943.

Allele frequency attached by ClinVar (database versions not stated): gnomAD 0.00002 and 0.00001; gnomAD exomes 0.00003 and 0.00001; ESP Exome Variant Server 0.00008; TOPMed 0.00002; ExAC 0.00003.
gnomAD v4.1: 51 of 1,613,002 alleles (0.0032%); highest among the groups gnomAD compares: Non-Finnish European, 0.0041%; no homozygotes.

Submissions (2):

Labcorp Genetics (formerly Invitae), Labcorp
Classification: Uncertain significance for Hypertrophic cardiomyopathy. Last evaluated: 2026-01-19. Review status: criteria provided, single submitter. Criteria: Invitae Variant Classification Sherloc (09022015). Collection method: clinical testing. Allele origin: germline.
Comment: This sequence change creates a premature translational stop signal (p.Trp1087*) in the MYOM1 gene. It is expected to result in an absent or disrupted protein product. However, the current clinical and genetic evidence is not sufficient to establish whether loss-of-function variants in MYOM1 cause disease. This variant is present in population databases (rs374670754, gnomAD 0.003%). This variant has not been reported in the literature in individuals affected with MYOM1-related conditions. ClinVar contains an entry for this variant (Variation ID: 804425). In summary, the available evidence is currently insufficient to determine the role of this variant in disease. Therefore, it has been classified as a Variant of Uncertain Significance.

Hadassah Hebrew University Medical Center
Classification: Likely pathogenic for Hypoglycemia; liver disease. Last evaluated: 2019-06-20. Review status: criteria provided, single submitter. Criteria: ACMG Guidelines, 2015. Collection method: clinical testing. Allele origin: germline. Inheritance: Autosomal recessive inheritance. Affected: yes.

NM_003803.4(MYOM1):c.3260G>A (p.Trp1087Ter)

Gene: MYOM1 (myomesin 1; minus strand). Cytogenetic location: 18p11.31.
Variant type: single nucleotide variant.
Coding change: c.3260G>A on transcript NM_003803.4 (MANE Select); coding-DNA position 3260, G replaced by A.
Protein change: p.Trp1087Ter; replaces tryptophan 1087 with a stop codon.
Molecular consequence: nonsense.
Genome position (GRCh38, 1-based): chr18:3,116,374, C>T on the plus strand (G>A on the coding strand, the complement: MYOM1 is on the minus strand). VCF-style: chr18-3116374-C-T. GRCh37 (hg19) VCF-style: chr18-3116372-C-T.
Other names: c.2972G>A, p.Trp991Ter (NM_019856.2); short protein forms W991*, W1087*.
Identifiers: ClinVar variation 804425 (VCV000804425.7), dbSNP rs374670754, ClinGen allele CA8874372.